The following is an entry in ClinVar:

ClinVar aggregate classification (germline): Uncertain significance (1 of 4 stars; one submission).

Allele frequency attached by ClinVar (database versions not stated): gnomAD exomes 0.00001.
gnomAD v4.1: 3 of 1,614,124 alleles (0.00019%); highest among the groups gnomAD compares: Non-Finnish European, 0.00025%; no homozygotes.

Submission:

Labcorp Genetics (formerly Invitae), Labcorp
Classification: Uncertain significance. Last evaluated: 2021-07-08. Review status: criteria provided, single submitter. Criteria: Invitae Variant Classification Sherloc (09022015). Collection method: clinical testing. Allele origin: germline.
Comment: In summary, the available evidence is currently insufficient to determine the role of this variant in disease. Therefore, it has been classified as a Variant of Uncertain Significance. Algorithms developed to predict the effect of missense changes on protein structure and function are either unavailable or do not agree on the potential impact of this missense change (SIFT: "Not Available"; PolyPhen-2: "Probably Damaging"; Align-GVGD: "Not Available"). This variant has not been reported in the literature in individuals affected with CIB2-related conditions. This variant is not present in population databases (ExAC no frequency). This sequence change replaces proline with leucine at codon 177 of the CIB2 protein (p.Pro177Leu). The proline residue is highly conserved and there is a moderate physicochemical difference between proline and leucine.

NM_006383.4(CIB2):c.530C>T (p.Pro177Leu)

Gene: CIB2 (calcium and integrin binding family member 2; minus strand). Cytogenetic location: 15q25.1.
Variant type: single nucleotide variant.
Coding change: c.530C>T on transcript NM_006383.4 (MANE Select); coding-DNA position 530, C replaced by T.
Protein change: p.Pro177Leu; replaces proline 177 with leucine.
Molecular consequence: missense variant. On other transcripts: non-coding transcript variant (1).
Genome position (GRCh38, 1-based): chr15:78,105,751, G>A on the plus strand (C>T on the coding strand, the complement: CIB2 is on the minus strand). VCF-style: chr15-78105751-G-A. GRCh37 (hg19) VCF-style: chr15-78398093-G-A.
Other names: c.401C>T, p.Pro134Leu (NM_001271888.2); c.383C>T, p.Pro128Leu (NM_001271889.2); c.545C>T, p.Pro182Leu (NM_001301224.2); short protein forms P177L, P182L, P128L, P134L.
Identifiers: ClinVar variation 1488895 (VCV001488895.8), dbSNP rs2141880255, ClinGen allele CA393545252.